The following is an entry in ClinVar:

ClinVar aggregate classification (germline): Benign/Likely benign. Review status: criteria provided, multiple submitters, no conflicts (2 of 4 stars). 4 submissions from 4 submitters: Benign (1); Likely benign (3). Last evaluated 2026-01-26.

Conditions:
CHARGE syndrome (CHARGE). Also called: Coloboma, heart anomaly, choanal atresia, retardation, genital and ear anomalies; CHARGE association; Hall-Hittner syndrome; CHARGE ASSOCIATION--COLOBOMA, HEART ANOMALY, CHOANAL ATRESIA, RETARDATION, GENITAL AND EAR ANOMALIES; Hittner Hirsch Kreh syndrome. Identifiers: Orphanet 138, MedGen C0265354, MONDO:0008965.

Submissions (4):

Labcorp Genetics (formerly Invitae), Labcorp
Classification: Benign for CHARGE syndrome. Last evaluated: 2026-01-26. Review status: criteria provided, single submitter. Criteria: Invitae Variant Classification Sherloc (09022015). Collection method: clinical testing. Allele origin: germline.

Blueprint Genetics
Classification: Likely benign. Last evaluated: 2024-11-25. Review status: criteria provided, single submitter. Criteria: ACMG Guidelines, 2015. Collection method: clinical testing. Allele origin: germline.

GeneDx
Classification: Likely benign. Last evaluated: 2023-10-12. Review status: criteria provided, single submitter. Criteria: GeneDx Variant Classification Process June 2021. Collection method: clinical testing. Allele origin: germline. Affected: yes.
Comment: See Variant Classification Assertion Criteria.

Center for Pediatric Genomic Medicine, Children's Mercy Hospital and Clinics
Classification: Likely benign. Last evaluated: 2016-01-18. Review status: criteria provided, single submitter. Criteria: ACMG Guidelines, 2015. Collection method: clinical testing. Allele origin: germline.
ClinVar note: Converted during submission from Likely Benign to Likely benign.

NM_012431.3(SEMA3E):c.337-11del

Gene: SEMA3E (semaphorin 3E; minus strand). Cytogenetic location: 7q21.11.
Variant type: Deletion.
Coding change: c.337-11del on transcript NM_012431.3 (MANE Select); 11 bases into the intron before coding-DNA position 337, one base deleted (T; older notation c.337-11delT).
Molecular consequence: intron variant.
Genome position (GRCh38, 1-based): chr7:83,466,612, A deleted on the plus strand (T on the coding strand, the reverse complement: SEMA3E is on the minus strand); the first of 7 consecutive A bases (chr7:83,466,612-83,466,618); deleting any one gives the same sequence. VCF-style (leftmost placement, unchanged base first): chr7-83466611-GA-G. GRCh37 (hg19) VCF-style: chr7-83095927-GA-G.
Other names: c.157-11del (NM_001178129.2).
Identifiers: ClinVar variation 235213 (VCV000235213.16), dbSNP rs536827692, ClinGen allele CA4322363.